The following is an entry in ClinVar:

ClinVar aggregate classification (germline): Uncertain significance (1 of 4 stars; one submission).

Submission:

GeneDx
Classification: Uncertain significance. Last evaluated: 2026-04-10. Review status: criteria provided, single submitter. Criteria: GeneDx Variant Classification Process June 2021. Collection method: clinical testing. Allele origin: germline.
Comment: Not observed at significant frequency in large population cohorts (gnomAD); Missense variants in this gene are a common cause of disease and they are underrepresented in the general population; In silico analysis supports that this missense variant has a deleterious effect on protein structure/function; Has not been previously published as pathogenic or benign to our knowledge; This variant is associated with the following publications: (PMID: 29493581)

NM_002880.4(RAF1):c.1060C>G (p.Arg354Gly)

Gene: RAF1 (Raf-1 proto-oncogene, serine/threonine kinase; minus strand). Cytogenetic location: 3p25.2.
Variant type: single nucleotide variant.
Coding change: c.1060C>G on transcript NM_002880.4 (MANE Select); coding-DNA position 1060, C replaced by G.
Protein change: p.Arg354Gly; replaces arginine 354 with glycine.
Molecular consequence: missense variant. On other transcripts: non-coding transcript variant (3).
Genome position (GRCh38, 1-based): chr3:12,599,739, G>C on the plus strand (C>G on the coding strand, the complement: RAF1 is on the minus strand). VCF-style: chr3-12599739-G-C. GRCh37 (hg19) VCF-style: chr3-12641238-G-C.
Other names: c.1120C>G, p.Arg374Gly (NM_001354689.3); c.1060C>G, p.Arg354Gly (NM_001354690.3); c.817C>G, p.Arg273Gly (NM_001354691.3, NM_001354692.3); c.961C>G, p.Arg321Gly (NM_001354693.3); c.877C>G, p.Arg293Gly (NM_001354694.3); c.718C>G, p.Arg240Gly (NM_001354695.3); short protein forms R240G, R273G, R293G, R321G, R354G, R374G.
Identifiers: ClinVar variation 5018404 (VCV005018404.1).